The following is an entry in ClinVar:

NM_001258311.2(PGBD5):c.1104G>A (p.Ala368=)

Genes: PGBD5 (piggyBac transposable element derived 5; minus strand), LOC112577554 (H3K27ac-H3K4me1 hESC enhancers GRCh37_chr1:230468147-230468791 and GRCh37_chr1:230468792-230469436; plus strand). Cytogenetic location: 1q42.13.
Variant type: single nucleotide variant.
Coding change: c.1104G>A on transcript NM_001258311.2 (MANE Select); coding-DNA position 1104, G replaced by A.
Protein change: p.Ala368=; no amino-acid change (alanine 368 retained).
Molecular consequence: synonymous variant.
Genome position (GRCh38, 1-based): chr1:230,333,013, C>T on the plus strand (G>A on the coding strand, the complement: PGBD5 is on the minus strand). VCF-style: chr1-230333013-C-T. GRCh37 (hg19) VCF-style: chr1-230468759-C-T.
Identifiers: ClinVar variation 2640068 (VCV002640068.24), dbSNP rs376986846, ClinGen allele CA1446779.

ClinVar aggregate classification (germline): Likely benign (1 of 4 stars; one submission).

Allele frequency attached by ClinVar (database versions not stated): 1000 Genomes Project 0.00020; 1000 Genomes Project 30x 0.00031; ESP Exome Variant Server 0.00031.
gnomAD v4.1: 781 of 1,607,062 alleles (0.049%); highest among the groups gnomAD compares: South Asian, 0.32%; 6 homozygotes.

Submission:

CeGaT Center for Human Genetics Tuebingen
Classification: Likely benign. Last evaluated: 2022-06-01. Review status: criteria provided, single submitter. Criteria: CeGaT Center For Human Genetics Tuebingen Variant Classification Criteria Version 2. Collection method: clinical testing. Allele origin: germline. Affected: yes. Observed: 1 variant allele.
Comment: PGBD5: BP4, BP7